The following is an entry in ClinVar:

NM_006767.4(LZTR1):c.2303dup (p.Thr769fs)

Gene: LZTR1 (leucine zipper like post translational regulator 1; plus strand). Cytogenetic location: 22q11.21.
Variant type: Duplication.
Coding change: c.2303dup on transcript NM_006767.4 (MANE Select); coding-DNA position 2303, one base duplicated (T; older notation c.2303dupT).
Protein change: p.Thr769fs; shifts the reading frame from threonine 769.
Molecular consequence: frameshift variant.
Genome position (GRCh38, 1-based): chr22:20,996,779, T duplicated. VCF-style (leftmost placement, unchanged base first): chr22-20996778-G-GT. GRCh37 (hg19) VCF-style: chr22-21351067-G-GT.
Other names: short protein forms T769fs.
Identifiers: ClinVar variation 1804528 (VCV001804528.11), dbSNP rs1231204217, ClinGen allele CA751569003.

ClinVar aggregate classification (germline): Pathogenic/Likely pathogenic. Review status: criteria provided, multiple submitters, no conflicts (2 of 4 stars). 6 submissions from 6 submitters: Pathogenic (5); Likely pathogenic (1). Last evaluated 2026-03-02.

Conditions:
Hereditary cancer-predisposing syndrome. Also called: Neoplastic Syndromes, Hereditary; Tumor predisposition; Hereditary neoplastic syndrome; Hereditary Cancer Syndrome. Identifiers: Orphanet 140162, MedGen C0027672, MeSH D009386, MONDO:0015356.
Cardiovascular phenotype. Identifiers: MedGen CN230736.

Allele frequency attached by ClinVar (database versions not stated): TOPMed below 0.00001.

Submissions (6):

GeneDx
Classification: Pathogenic. Last evaluated: 2026-03-02. Review status: criteria provided, single submitter. Criteria: GeneDx Variant Classification Process June 2021. Collection method: clinical testing. Allele origin: germline.
Comment: Frameshift variant predicted to result in protein truncation or nonsense mediated decay in a gene for which loss of function is a known mechanism of disease; Not observed at significant frequency in large population cohorts (gnomAD); This variant is associated with the following publications: (PMID: 39140257)

Labcorp Genetics (formerly Invitae), Labcorp
Classification: Pathogenic. Last evaluated: 2025-12-10. Review status: criteria provided, single submitter. Criteria: Invitae Variant Classification Sherloc (09022015). Collection method: clinical testing. Allele origin: germline.
Comment: This sequence change creates a premature translational stop signal (p.Thr769Aspfs*13) in the LZTR1 gene. It is expected to result in an absent or disrupted protein product. Loss-of-function variants in LZTR1 are known to be pathogenic (PMID: 24362817, 25335493, 25480913, 25795793, 29469822, 30368668, 30442762, 30442766, 30481304, 30859559). This variant is not present in population databases (gnomAD no frequency). This variant has not been reported in the literature in individuals affected with LZTR1-related conditions. ClinVar contains an entry for this variant (Variation ID: 1804528). For these reasons, this variant has been classified as Pathogenic.

Molecular Pathology, Peter Maccallum Cancer Centre
Classification: Pathogenic for Hereditary cancer-predisposing syndrome. Last evaluated: 2025-04-03. Review status: criteria provided, single submitter. Criteria: ACMG Guidelines, 2015. Collection method: clinical testing. Allele origin: germline.

Dasa
Classification: Pathogenic. Last evaluated: 2024-08-13. Review status: criteria provided, single submitter. Criteria: DASA Assertion Criteria. Collection method: clinical testing. Allele origin: germline.
Comment: NM_006767.4(LZTR1):c.2303dup (p.Thr769Aspfs*13) is a frameshift variant in LZTR1 predicted to alter the reading frame and introduce a premature termination codon and is predicted to result in an absent or altered protein product. Loss of function is an established disease mechanism for LZTR1-associated disorders. This variant has been reported in individuals with LZTR1-related disorders. Also, this variant is rare in population databases. Based on the currently available evidence, this variant is classified as pathogenic.

Revvity Omics, Revvity
Classification: Likely pathogenic. Last evaluated: 2023-05-24. Review status: criteria provided, single submitter. Criteria: ACMG Guidelines, 2015. Collection method: clinical testing. Allele origin: germline.

Ambry Genetics
Classification: Pathogenic for Cardiovascular phenotype; Hereditary cancer-predisposing syndrome. Last evaluated: 2023-01-19. Review status: criteria provided, single submitter. Criteria: Ambry Variant Classification Scheme 2023. Collection method: clinical testing. Allele origin: germline.
Comment: The c.2303dupT pathogenic mutation, located in coding exon 19 of the LZTR1 gene, results from a duplication of T at nucleotide position 2303, causing a translational frameshift with a predicted alternate stop codon (p.T769Dfs*13). This alteration is expected to result in loss of function by premature protein truncation or nonsense-mediated mRNA decay. Loss-of-function variants in LZTR1 are related to an increased risk for schwannomas and autosomal recessive Noonan syndrome; however, such associations with autosomal dominant Noonan syndrome have not been observed (Piotrowski A et al. Nat Genet. 2014 Feb;46:182-7; Yamamoto GL et al. J Med Genet. 2015 Jun;52:413-21; Johnston JJ et al. Genet Med. 2018 10;20:1175-1185). Based on the supporting evidence, this variant is pathogenic for an increased risk of LZTR1-related schwannomatosis (SWN) and would be expected to cause autosomal recessive Noonan syndrome when present along with a second pathogenic or likely pathogenic variant on the other allele; however, the association of this alteration with autosomal dominant Noonan syndrome is unlikely.

Literature cited by the submitters: PubMed 24362817 (cited by Labcorp Genetics (formerly Invitae), Labcorp); PubMed 25335493 (cited by Labcorp Genetics (formerly Invitae), Labcorp); PubMed 25480913 (cited by Labcorp Genetics (formerly Invitae), Labcorp); PubMed 25795793 (cited by Labcorp Genetics (formerly Invitae), Labcorp); PubMed 29469822 (cited by Labcorp Genetics (formerly Invitae), Labcorp); PubMed 30368668 (cited by Labcorp Genetics (formerly Invitae), Labcorp); PubMed 30442762 (cited by Labcorp Genetics (formerly Invitae), Labcorp); PubMed 30442766 (cited by Labcorp Genetics (formerly Invitae), Labcorp); PubMed 30481304 (cited by Labcorp Genetics (formerly Invitae), Labcorp); PubMed 30859559 (cited by Labcorp Genetics (formerly Invitae), Labcorp).